The following is an entry in ClinVar:

NM_000459.5(TEK):c.-21G>A

Gene: TEK (TEK receptor tyrosine kinase; plus strand). Cytogenetic location: 9p21.2.
Variant type: single nucleotide variant.
Coding change: c.-21G>A on transcript NM_000459.5 (MANE Select); 21 bases upstream of the start codon, G replaced by A.
Molecular consequence: 5 prime UTR variant.
Genome position (GRCh38, 1-based): chr9:27,109,570, G>A. VCF-style: chr9-27109570-G-A. GRCh37 (hg19) VCF-style: chr9-27109568-G-A.
Other names: c.-21G>A (NM_001290077.2, NM_001290078.2, NM_001375475.1 and 1 more transcripts).
Identifiers: ClinVar variation 366390 (VCV000366390.5), dbSNP rs571331918, ClinGen allele CA5015803.

ClinVar aggregate classification (germline): Benign (1 of 4 stars; one submission).

Conditions:
Multiple cutaneous and mucosal venous malformations (VMCM). Also called: TEK-Related Multiple Cutaneous and Mucosal Venous Malformations (VMCM). Identifiers: Orphanet 2451, MedGen C1838437, MONDO:0010842, OMIM 600195.

Allele frequency attached by ClinVar (database versions not stated): ExAC 0.00002; gnomAD 0.00002 and 0.00001; TOPMed 0.00002; 1000 Genomes Project 0.00020; gnomAD exomes 0.00001 and 0.00002; 1000 Genomes Project 30x 0.00016.
gnomAD v4.1: 12 of 1,614,108 alleles (0.00074%); highest among the groups gnomAD compares: East Asian, 0.011%; no homozygotes.

Submission:

Illumina Laboratory Services, Illumina
Classification: Benign for Multiple cutaneous and mucosal venous malformations. Last evaluated: 2018-01-12. Review status: criteria provided, single submitter. Criteria: ICSL Variant Classification Criteria 13 December 2019. Collection method: clinical testing. Allele origin: germline.
Comment: This variant was observed in the ICSL laboratory as part of a predisposition screen in an ostensibly healthy population. It had not been previously curated by ICSL or reported in the Human Gene Mutation Database (HGMD: prior to June 1st, 2018), and was therefore a candidate for classification through an automated scoring system. Utilizing variant allele frequency, disease prevalence and penetrance estimates, and inheritance mode, an automated score was calculated to assess if this variant is too frequent to cause the disease. Based on the score and internal cut-off values, a variant classified as benign is not then subjected to further curation. The score for this variant resulted in a classification of benign for this disease.